The following is an entry in ClinVar:

ClinVar aggregate classification (germline): Uncertain significance (1 of 4 stars; one submission).

Submission:

Labcorp Genetics (formerly Invitae), Labcorp
Classification: Uncertain significance. Last evaluated: 2024-10-17. Review status: criteria provided, single submitter. Criteria: Invitae Variant Classification Sherloc (09022015). Collection method: clinical testing. Allele origin: germline.
Comment: This sequence change replaces glutamine, which is neutral and polar, with arginine, which is basic and polar, at codon 234 of the COQ9 protein (p.Gln234Arg). This variant is not present in population databases (gnomAD no frequency). This variant has not been reported in the literature in individuals affected with COQ9-related conditions. ClinVar contains an entry for this variant (Variation ID: 2181285). An algorithm developed to predict the effect of missense changes on protein structure and function (PolyPhen-2) suggests that this variant is likely to be tolerated. In summary, the available evidence is currently insufficient to determine the role of this variant in disease. Therefore, it has been classified as a Variant of Uncertain Significance.

NM_020312.4(COQ9):c.701A>G (p.Gln234Arg)

Gene: COQ9 (coenzyme Q9; plus strand). Cytogenetic location: 16q21.
Variant type: single nucleotide variant.
Coding change: c.701A>G on transcript NM_020312.4 (MANE Select); coding-DNA position 701, A replaced by G.
Protein change: p.Gln234Arg; replaces glutamine 234 with arginine.
Molecular consequence: missense variant.
Genome position (GRCh38, 1-based): chr16:57,458,340, A>G. VCF-style: chr16-57458340-A-G. GRCh37 (hg19) VCF-style: chr16-57492252-A-G.
Other names: short protein forms Q234R.
Identifiers: ClinVar variation 2181285 (VCV002181285.4), dbSNP rs1319039176, ClinGen allele CA396029498.